The following is an entry in ClinVar:

NM_000197.2(HSD17B3):c.761_762del (p.Glu254fs)

Genes: HSD17B3 (hydroxysteroid 17-beta dehydrogenase 3; minus strand), SLC35D2-HSD17B3 (SLC35D2-HSD17B3 readthrough; minus strand). Cytogenetic location: 9q22.32.
Variant type: Microsatellite.
Coding change: c.761_762del on transcript NM_000197.2 (MANE Select); coding-DNA positions 761 to 762, 2 bases deleted (AG; older notation c.761_762delAG).
Protein change: p.Glu254fs; shifts the reading frame from glutamic acid 254.
Molecular consequence: frameshift variant.
Genome position (GRCh38, 1-based): chr9:96,240,818-96,240,819, CT deleted on the plus strand (AG on the coding strand, the reverse complement: HSD17B3 is on the minus strand); deleting any 2 consecutive bases within chr9:96,240,818-96,240,821 gives the same sequence; the c. name uses the placement nearest the transcript's 3' end. VCF-style (leftmost placement, unchanged base first): chr9-96240817-ACT-A. GRCh37 (hg19) VCF-style: chr9-99003099-ACT-A.
Other names: short protein forms E254fs.
Identifiers: ClinVar variation 2735299 (VCV002735299.4), dbSNP rs2130704630, ClinGen allele CA2690816383.

ClinVar aggregate classification (germline): Pathogenic (1 of 4 stars; one submission).

Submission:

Labcorp Genetics (formerly Invitae), Labcorp
Classification: Pathogenic. Last evaluated: 2023-08-18. Review status: criteria provided, single submitter. Criteria: Invitae Variant Classification Sherloc (09022015). Collection method: clinical testing. Allele origin: germline.
Comment: This premature translational stop signal has been observed in individuals with 17-beta hydroxysteroid dehydrogenase 3 deficiency (PMID: 25894637, 26831562, 33586216). For these reasons, this variant has been classified as Pathogenic. This variant disrupts the C-terminus of the HSD17B3 protein. Other variant(s) that disrupt this region (p.Trp284*) have been observed in individuals with HSD17B3-related conditions (PMID: 28847746). This suggests that this may be a clinically significant region of the protein. Algorithms developed to predict the effect of sequence changes on RNA splicing suggest that this variant may disrupt the consensus splice site. This variant is not present in population databases (gnomAD no frequency). This sequence change creates a premature translational stop signal (p.Glu254Valfs*10) in the HSD17B3 gene. While this is not anticipated to result in nonsense mediated decay, it is expected to disrupt the last 57 amino acid(s) of the HSD17B3 protein.

Literature cited by the submitters: PubMed 25894637; PubMed 26831562; PubMed 33586216; PubMed 28847746.